The following is an entry in ClinVar:

NM_018975.4(TERF2IP):c.469T>A (p.Ser157Thr)

Gene: TERF2IP (TERF2 interacting protein; plus strand). Cytogenetic location: 16q23.1.
Variant type: single nucleotide variant.
Coding change: c.469T>A on transcript NM_018975.4 (MANE Select); coding-DNA position 469, T replaced by A.
Protein change: p.Ser157Thr; replaces serine 157 with threonine.
Molecular consequence: missense variant. On other transcripts: non-coding transcript variant (1).
Genome position (GRCh38, 1-based): chr16:75,648,351, T>A. VCF-style: chr16-75648351-T-A. GRCh37 (hg19) VCF-style: chr16-75682249-T-A.
Other names: short protein forms S157T.
Identifiers: ClinVar variation 3455113 (VCV003455113.1).
Genomic context (GRCh38, chr16:75,648,351, plus strand): 5'-ACGGATGCGGACGACGTAGCCATCCTTACCTACGTGAAGGAAAATGCCCGCTCGCCCAGC[T>A]CCGTCACCGGTAACGCCTTGTGGAAAGCGATGGAGAAGAGCTCGCTCACGCAGCACTCGT-3'
Protein context (NP_061848.2, residues 147-167): YVKENARSPS[Ser157Thr]VTGNALWKAM

ClinVar aggregate classification (germline): Uncertain significance (1 of 4 stars; one submission).

Submission:

Ambry Genetics
Classification: Uncertain significance. Last evaluated: 2024-08-12. Review status: criteria provided, single submitter. Criteria: Ambry Variant Classification Scheme 2023. Collection method: clinical testing. Allele origin: germline.
Comment: The p.S157T variant (also known as c.469T>A), located in coding exon 1 of the TERF2IP gene, results from a T to A substitution at nucleotide position 469. The serine at codon 157 is replaced by threonine, an amino acid with similar properties. This amino acid position is conserved. In addition, this alteration is predicted to be tolerated by in silico analysis. Based on the available evidence, the clinical significance of this variant remains unclear.